The following is an entry in ClinVar:

ClinVar aggregate classification (germline): Uncertain significance. Review status: criteria provided, multiple submitters, no conflicts (2 of 4 stars). 2 submissions from 2 submitters: Uncertain significance (2). Last evaluated 2024-05-06.

Allele frequency attached by ClinVar (database versions not stated): gnomAD exomes below 0.00001 and 0.00003; gnomAD 0.00001; TOPMed 0.00001.
gnomAD v4.1: 43 of 1,614,004 alleles (0.0027%); highest among the groups gnomAD compares: Non-Finnish European, 0.0036%; no homozygotes.

Submissions (2):

Blueprint Genetics
Classification: Uncertain significance. Last evaluated: 2024-05-06. Review status: criteria provided, single submitter. Criteria: ACMG Guidelines, 2015. Collection method: clinical testing. Allele origin: germline.

GeneDx
Classification: Uncertain significance. Last evaluated: 2019-09-23. Review status: criteria provided, single submitter. Criteria: GeneDx Variant Classification Process June 2021. Collection method: clinical testing. Allele origin: germline. Affected: yes.
Comment: Not observed at a significant frequency in large population cohorts (Lek et al., 2016); In silico analysis, which includes protein predictors and evolutionary conservation, supports a deleterious effect; Has not been previously published as pathogenic or benign to our knowledge

NM_005559.4(LAMA1):c.2017G>A (p.Ala673Thr)

Gene: LAMA1 (laminin subunit alpha 1; minus strand). Cytogenetic location: 18p11.31.
Variant type: single nucleotide variant.
Coding change: c.2017G>A on transcript NM_005559.4 (MANE Select); coding-DNA position 2017, G replaced by A.
Protein change: p.Ala673Thr; replaces alanine 673 with threonine.
Molecular consequence: missense variant.
Genome position (GRCh38, 1-based): chr18:7,034,513, C>T on the plus strand (G>A on the coding strand, the complement: LAMA1 is on the minus strand). VCF-style: chr18-7034513-C-T. GRCh37 (hg19) VCF-style: chr18-7034512-C-T.
Other names: short protein forms A673T.
Identifiers: ClinVar variation 1312363 (VCV001312363.3), dbSNP rs773312549, ClinGen allele CA295755570.